The following is an entry in ClinVar:

NM_000548.5(TSC2):c.139-8C>T

Gene: TSC2 (TSC complex subunit 2; plus strand). Cytogenetic location: 16p13.3.
Variant type: single nucleotide variant.
Coding change: c.139-8C>T on transcript NM_000548.5 (MANE Select); 8 bases into the intron before coding-DNA position 139, C replaced by T.
Molecular consequence: intron variant.
Genome position (GRCh38, 1-based): chr16:2,050,392, C>T. VCF-style: chr16-2050392-C-T. GRCh37 (hg19) VCF-style: chr16-2100393-C-T.
Other names: c.139-8C>T (NM_001363528.2, NM_001370404.1, NM_001077183.3 and 4 more transcripts); c.-88-8C>T (NM_001318831.2); c.-9-8C>T (NM_001318829.2); c.172-8C>T (NM_001318832.2).
Identifiers: ClinVar variation 1081646 (VCV001081646.10), dbSNP rs1382083945, ClinGen allele CA718902004.

ClinVar aggregate classification (germline): Likely benign. Review status: criteria provided, multiple submitters, no conflicts (2 of 4 stars). 3 submissions from 3 submitters: Likely benign (3). Last evaluated 2025-09-19.

Conditions:
Tuberous sclerosis syndrome (TSC). Also called: Tuberous Sclerosis Complex; Tuberous sclerosis. Identifiers: Orphanet 805, MedGen C0041341, MONDO:0001734.
Tuberous sclerosis 2 (TSC2). Identifiers: Orphanet 805, MedGen C1860707, MONDO:0013199, OMIM 613254.

Allele frequency attached by ClinVar (database versions not stated): gnomAD 0.00001.
gnomAD v4.1: 3 of 1,613,630 alleles (0.00019%); highest among the groups gnomAD compares: African/African-American, 0.0027%; no homozygotes.

Submissions (3):

Labcorp Genetics (formerly Invitae), Labcorp
Classification: Likely benign for Tuberous sclerosis 2. Last evaluated: 2025-09-19. Review status: criteria provided, single submitter. Criteria: Invitae Variant Classification Sherloc (09022015). Collection method: clinical testing. Allele origin: germline.

Myriad Genetics, Inc.
Classification: Likely benign for Tuberous sclerosis 2. Last evaluated: 2025-04-30. Review status: criteria provided, single submitter. Criteria: Myriad Autosomal Dominant, Autosomal Recessive and X-Linked Classification Criteria (2023). Collection method: clinical testing. Allele origin: unknown.
Comment: This variant is considered likely benign. This variant is intronic and is not expected to impact mRNA splicing.

Color Diagnostics, LLC DBA Color Health
Classification: Likely benign for Tuberous sclerosis syndrome. Last evaluated: 2022-09-08. Review status: criteria provided, single submitter. Criteria: ACMG Guidelines, 2015. Collection method: clinical testing. Allele origin: germline.